The following is an entry in ClinVar:

NM_001267550.2(TTN):c.64215C>T (p.Tyr21405=)

Genes: TTN (titin; minus strand), TTN-AS1 (TTN antisense RNA 1; plus strand). Cytogenetic location: 2q31.2.
Variant type: single nucleotide variant.
Coding change: c.64215C>T on transcript NM_001267550.2 (MANE Select); coding-DNA position 64215, C replaced by T.
Protein change: p.Tyr21405=; no amino-acid change (tyrosine 21405 retained).
Molecular consequence: synonymous variant.
Genome position (GRCh38, 1-based): chr2:178,586,686, G>A on the plus strand (C>T on the coding strand, the complement: TTN is on the minus strand). VCF-style: chr2-178586686-G-A. GRCh37 (hg19) VCF-style: chr2-179451413-G-A.
Other names: c.37020C>T, p.Tyr12340= (NM_003319.4); c.56511C>T, p.Tyr18837= (NM_133378.4); c.37395C>T, p.Tyr12465= (NM_133432.3); c.37596C>T, p.Tyr12532= (NM_133437.4); c.59292C>T, p.Tyr19764= (NM_001256850.1).
Identifiers: ClinVar variation 5037897 (VCV005037897.1).

ClinVar aggregate classification (germline): Likely benign (1 of 4 stars; one submission).

Submission:

Molecular Diagnostic Laboratory for Inherited Cardiovascular Disease, Montreal Heart Institute
Classification: Likely benign. Last evaluated: 2026-09-21. Review status: criteria provided, single submitter. Criteria: ACMG Guidelines, 2015. Collection method: clinical testing. Allele origin: germline. Affected: no.
Comment: BP7